The following is an entry in ClinVar:

NM_006231.4(POLE):c.3598G>A (p.Ala1200Thr)

Gene: POLE (DNA polymerase epsilon, catalytic subunit; minus strand). Cytogenetic location: 12q24.33.
Variant type: single nucleotide variant.
Coding change: c.3598G>A on transcript NM_006231.4 (MANE Select); coding-DNA position 3598, G replaced by A.
Protein change: p.Ala1200Thr; replaces alanine 1200 with threonine.
Molecular consequence: missense variant.
Genome position (GRCh38, 1-based): chr12:132,649,874, C>T on the plus strand (G>A on the coding strand, the complement: POLE is on the minus strand). VCF-style: chr12-132649874-C-T. GRCh37 (hg19) VCF-style: chr12-133226460-C-T.
Other names: c.3598G>A (NM_006231.2); short protein forms A1200T.
Identifiers: ClinVar variation 473608 (VCV000473608.9), dbSNP rs1555224126, ClinGen allele CA387387036.

ClinVar aggregate classification (germline): Conflicting classifications of pathogenicity. Review status: criteria provided, conflicting classifications (1 of 4 stars). 2 submissions from 2 submitters: Uncertain significance (1); Likely benign (1). Last evaluated 2025-01-10.

Conditions:
Hereditary cancer-predisposing syndrome. Also called: Neoplastic Syndromes, Hereditary; Tumor predisposition; Hereditary Cancer Syndrome; Hereditary neoplastic syndrome. Identifiers: Orphanet 140162, MedGen C0027672, MeSH D009386, MONDO:0015356.

Submissions (2):

Ambry Genetics
Classification: Likely benign for Hereditary cancer-predisposing syndrome. Last evaluated: 2025-01-10. Review status: criteria provided, single submitter. Criteria: Ambry Variant Classification Scheme 2023. Collection method: clinical testing. Allele origin: germline.

Labcorp Genetics (formerly Invitae), Labcorp
Classification: Uncertain significance. Last evaluated: 2017-07-18. Review status: criteria provided, single submitter. Criteria: Invitae Variant Classification Sherloc (09022015). Collection method: clinical testing. Allele origin: germline.
Comment: In summary, the available evidence is currently insufficient to determine the role of this variant in disease. Therefore, it has been classified as a Variant of Uncertain Significance. Algorithms developed to predict the effect of missense changes on protein structure and function output the following: SIFT: "Tolerated"; PolyPhen-2: "Benign"; Align-GVGD: "Class C0". The threonine amino acid residue is found in multiple mammalian species, suggesting that this missense change does not adversely affect protein function. These predictions have not been confirmed by published functional studies and their clinical significance is uncertain. This variant has not been reported in the literature in individuals with POLE-related disease. This variant is not present in population databases (ExAC no frequency). This sequence change replaces alanine with threonine at codon 1200 of the POLE protein (p.Ala1200Thr). The alanine residue is weakly conserved and there is a small physicochemical difference between alanine and threonine.